The following is an entry in ClinVar:

NM_003900.5(SQSTM1):c.1310C>A (p.Pro437His)

Gene: SQSTM1 (sequestosome 1; plus strand). Cytogenetic location: 5q35.3.
Variant type: single nucleotide variant.
Coding change: c.1310C>A on transcript NM_003900.5 (MANE Select); coding-DNA position 1310, C replaced by A.
Protein change: p.Pro437His; replaces proline 437 with histidine.
Molecular consequence: missense variant.
Genome position (GRCh38, 1-based): chr5:179,836,580, C>A. VCF-style: chr5-179836580-C-A. GRCh37 (hg19) VCF-style: chr5-179263580-C-A.
Other names: c.1058C>A, p.Pro353His (NM_001142298.2, NM_001142299.2); short protein forms P437H, P353H.
Identifiers: ClinVar variation 4788924 (VCV004788924.1).

ClinVar aggregate classification (germline): Uncertain significance (1 of 4 stars; one submission).

Conditions:
Frontotemporal dementia and/or amyotrophic lateral sclerosis 1 (FTDALS1). Also called: C9orf72 Frontotemporal Dementia and/or Amyotrophic Lateral Sclerosis; Frontotemporal dementia with motor neuron disease 1. Identifiers: Orphanet 275872, MedGen C5779877, MONDO:0007105, OMIM 105550.
Paget disease of bone 2, early-onset (PDB2). Also called: Paget disease of bone 2. Identifiers: MedGen C4085251, MONDO:0011183, OMIM 602080.

gnomAD v4.1: 1 of 1,614,154 alleles (0.000062%); highest among the groups gnomAD compares: Non-Finnish European, 0.000085%; no homozygotes.

Submission:

Labcorp Genetics (formerly Invitae), Labcorp
Classification: Uncertain significance for Paget disease of bone 2, early-onset; Frontotemporal dementia and/or amyotrophic lateral sclerosis 1. Last evaluated: 2025-07-02. Review status: criteria provided, single submitter. Criteria: Invitae Variant Classification Sherloc (09022015). Collection method: clinical testing. Allele origin: germline.
Comment: This sequence change replaces proline, which is neutral and non-polar, with histidine, which is basic and polar, at codon 437 of the SQSTM1 protein (p.Pro437His). This variant is not present in population databases (gnomAD no frequency). This missense change has been observed in individual(s) with amyotrophic lateral sclerosis (PMID: 31859009). An algorithm developed to predict the effect of missense changes on protein structure and function (PolyPhen-2) suggests that this variant is likely to be disruptive. In summary, the available evidence is currently insufficient to determine the role of this variant in disease. Therefore, it has been classified as a Variant of Uncertain Significance.

Literature cited by the submitters: PubMed 31859009.